The following is an entry in ClinVar:

NM_017433.5(MYO3A):c.*35G>T

Gene: MYO3A (myosin IIIA; plus strand). Cytogenetic location: 10p12.1.
Variant type: single nucleotide variant.
Coding change: c.*35G>T on transcript NM_017433.5 (MANE Select); 35 bases downstream of the stop codon, G replaced by T.
Molecular consequence: 3 prime UTR variant.
Genome position (GRCh38, 1-based): chr10:26,211,998, G>T. VCF-style: chr10-26211998-G-T. GRCh37 (hg19) VCF-style: chr10-26500927-G-T.
Identifiers: ClinVar variation 2640364 (VCV002640364.24), dbSNP rs374110691, ClinGen allele CA592780037.
Genomic context (GRCh38, chr10:26,211,998, plus strand): 5'-GCCGGCGCCTCGTCCAGCAGTCCTAACCGTTCAACGAGGCAGTCACCGCCGTCGGAAGGC[G>T]CTGGAGCCTGCGGGGCAGCAGGGGCCAAGCAGGCACTCTGGGGCTGGCACCAGCAGGCAC-3'

ClinVar aggregate classification (germline): Likely benign (1 of 4 stars; one submission).

gnomAD v4.1: 28 of 1,603,014 alleles (0.0017%); highest among the groups gnomAD compares: Non-Finnish European, 0.0023%; no homozygotes.

Submission:

CeGaT Center for Human Genetics Tuebingen
Classification: Likely benign. Last evaluated: 2022-03-01. Review status: criteria provided, single submitter. Criteria: CeGaT Center For Human Genetics Tuebingen Variant Classification Criteria Version 2. Collection method: clinical testing. Allele origin: germline. Affected: yes. Observed: 1 variant allele.
Comment: MYO3A: BP4, BP7